The following is an entry in ClinVar:

ClinVar aggregate classification (germline): Uncertain significance. Review status: criteria provided, multiple submitters, no conflicts (2 of 4 stars). 3 submissions from 3 submitters: Uncertain significance (3). Last evaluated 2025-04-12.

Conditions:
Inborn genetic diseases. Identifiers: MedGen C0950123, MeSH D030342.

Allele frequency attached by ClinVar (database versions not stated): gnomAD exomes below 0.00001 and 0.00002; TOPMed below 0.00001; gnomAD 0.00001; ExAC 0.00002.
gnomAD v4.1: 8 of 1,613,894 alleles (0.0005%); highest among the groups gnomAD compares: East Asian, 0.013%; no homozygotes.

Submissions (3):

Ambry Genetics
Classification: Uncertain significance for Inborn genetic diseases. Last evaluated: 2025-04-12. Review status: criteria provided, single submitter. Criteria: Ambry Variant Classification Scheme 2023. Collection method: clinical testing. Allele origin: germline.

Labcorp Genetics (formerly Invitae), Labcorp
Classification: Uncertain significance. Last evaluated: 2025-03-17. Review status: criteria provided, single submitter. Criteria: Invitae Variant Classification Sherloc (09022015). Collection method: clinical testing. Allele origin: germline.
Comment: This sequence change replaces aspartic acid, which is acidic and polar, with glycine, which is neutral and non-polar, at codon 63 of the PDE6A protein (p.Asp63Gly). This variant is present in population databases (rs757427372, gnomAD 0.03%). This variant has not been reported in the literature in individuals affected with PDE6A-related conditions. ClinVar contains an entry for this variant (Variation ID: 962967). Invitae Evidence Modeling of protein sequence and biophysical properties (such as structural, functional, and spatial information, amino acid conservation, physicochemical variation, residue mobility, and thermodynamic stability) indicates that this missense variant is not expected to disrupt PDE6A protein function with a negative predictive value of 95%. In summary, the available evidence is currently insufficient to determine the role of this variant in disease. Therefore, it has been classified as a Variant of Uncertain Significance.

Blueprint Genetics
Classification: Uncertain significance. Last evaluated: 2022-03-22. Review status: criteria provided, single submitter. Criteria: ACMG Guidelines, 2015. Collection method: clinical testing. Allele origin: germline.

NM_000440.3(PDE6A):c.188A>G (p.Asp63Gly)

Gene: PDE6A (phosphodiesterase 6A; minus strand). Cytogenetic location: 5q32.
Variant type: single nucleotide variant.
Coding change: c.188A>G on transcript NM_000440.3 (MANE Select); coding-DNA position 188, A replaced by G.
Protein change: p.Asp63Gly; replaces aspartic acid 63 with glycine.
Molecular consequence: missense variant.
Genome position (GRCh38, 1-based): chr5:149,944,486, T>C on the plus strand (A>G on the coding strand, the complement: PDE6A is on the minus strand). VCF-style: chr5-149944486-T-C. GRCh37 (hg19) VCF-style: chr5-149324049-T-C.
Other names: short protein forms D63G.
Identifiers: ClinVar variation 962967 (VCV000962967.10), dbSNP rs757427372, ClinGen allele CA3505120.